The following is an entry in ClinVar:

NM_006767.4(LZTR1):c.1620T>A (p.His540Gln)

Gene: LZTR1 (leucine zipper like post translational regulator 1; plus strand). Cytogenetic location: 22q11.21.
Variant type: single nucleotide variant.
Coding change: c.1620T>A on transcript NM_006767.4 (MANE Select); coding-DNA position 1620, T replaced by A.
Protein change: p.His540Gln; replaces histidine 540 with glutamine.
Molecular consequence: missense variant.
Genome position (GRCh38, 1-based): chr22:20,994,562, T>A. VCF-style: chr22-20994562-T-A. GRCh37 (hg19) VCF-style: chr22-21348851-T-A.
Other names: short protein forms H540Q.
Identifiers: ClinVar variation 1041766 (VCV001041766.13), dbSNP rs141610191, ClinGen allele CA410776461.
Genomic context (GRCh38, chr22:20,994,562, plus strand): 5'-CTGTGCCCTGCCCTCCCCTCTCCGGCTCCCTGAGATTCGGGGGCTCTGGGGCGCAGGCCA[T>A]GTGGAGGATGTGCTGCTCATCATGGATGTGTACAAACTGGCACTGAGCTTCCAGTTGTGC-3'
Protein context (NP_006758.2, residues 530-550): TDKIKYPRKG[His540Gln]VEDVLLIMDV

ClinVar aggregate classification (germline): Uncertain significance. Review status: criteria provided, multiple submitters, no conflicts (2 of 4 stars). 3 submissions from 3 submitters: Uncertain significance (3). Last evaluated 2025-03-26.

Conditions:
Cardiovascular phenotype. Identifiers: MedGen CN230736.
Hereditary cancer-predisposing syndrome. Also called: Hereditary Cancer Syndrome; Tumor predisposition; Hereditary neoplastic syndrome; Neoplastic Syndromes, Hereditary. Identifiers: Orphanet 140162, MedGen C0027672, MeSH D009386, MONDO:0015356.
LZTR1-related schwannomatosis. Also called: Schwannomatosis-2, susceptibility to; Schwannomatosis 2. Identifiers: Orphanet 93921, MedGen C3810283, MONDO:0014299, OMIM 615670.

Allele frequency attached by ClinVar (database versions not stated): TOPMed 0.00002.

Submissions (3):

Labcorp Genetics (formerly Invitae), Labcorp
Classification: Uncertain significance. Last evaluated: 2025-03-26. Review status: criteria provided, single submitter. Criteria: Invitae Variant Classification Sherloc (09022015). Collection method: clinical testing. Allele origin: germline.
Comment: This sequence change replaces histidine, which is basic and polar, with glutamine, which is neutral and polar, at codon 540 of the LZTR1 protein (p.His540Gln). This variant is present in population databases (no rsID available, gnomAD 0.0009%). This variant has not been reported in the literature in individuals affected with LZTR1-related conditions. ClinVar contains an entry for this variant (Variation ID: 1041766). Invitae Evidence Modeling of protein sequence and biophysical properties (such as structural, functional, and spatial information, amino acid conservation, physicochemical variation, residue mobility, and thermodynamic stability) indicates that this missense variant is not expected to disrupt LZTR1 protein function with a negative predictive value of 80%. In summary, the available evidence is currently insufficient to determine the role of this variant in disease. Therefore, it has been classified as a Variant of Uncertain Significance.

Ambry Genetics
Classification: Uncertain significance for Cardiovascular phenotype; Hereditary cancer-predisposing syndrome. Last evaluated: 2025-02-06. Review status: criteria provided, single submitter. Criteria: Ambry Variant Classification Scheme 2023. Collection method: clinical testing. Allele origin: germline.
Comment: The p.H540Q variant (also known as c.1620T>A), located in coding exon 15 of the LZTR1 gene, results from a T to A substitution at nucleotide position 1620. The histidine at codon 540 is replaced by glutamine, an amino acid with highly similar properties. This amino acid position is highly conserved in available vertebrate species. In addition, this alteration is predicted to be tolerated by in silico analysis. Since supporting evidence is limited at this time, the clinical significance of this alteration remains unclear.

Baylor Genetics
Classification: Uncertain significance for LZTR1-related schwannomatosis. Last evaluated: 2024-03-03. Review status: criteria provided, single submitter. Criteria: ACMG Guidelines, 2015. Collection method: clinical testing. Allele origin: unknown.